The following is an entry in ClinVar:

ClinVar aggregate classification (germline): Uncertain significance (1 of 4 stars; one submission).

Conditions:
Alzheimer disease 3 (AD3). Also called: ALZHEIMER DISEASE, FAMILIAL, 3. Identifiers: Orphanet 1020, MedGen C1843013, MONDO:0011913, OMIM 607822.
Frontotemporal dementia (FTD1). Also called: FRONTOTEMPORAL LOBAR DEGENERATION WITH TAU INCLUSIONS; FTLD WITH TAU INCLUSIONS; Frontotemporal lobe dementia (FLDEM); Dementia, frontotemporal, with or without parkinsonism; Frontotemporal Dementia with Parkinsonism-17 (FTDP-17); MULTIPLE SYSTEM TAUOPATHY WITH PRESENILE DEMENTIA. Identifiers: Orphanet 282, MedGen C0338451, MONDO:0017276, OMIM 600274, HP:0002145.
Pick disease. Also called: PICK DISEASE OF BRAIN; LOBAR ATROPHY OF BRAIN; Pick Disease of the Brain; DEMENTIA WITH LOBAR ATROPHY AND NEURONAL CYTOPLASMIC INCLUSIONS; Pick's disease. Identifiers: Orphanet 282, MedGen C0236642, MONDO:0008243, OMIM 172700.
Acne inversa, familial, 3 (ACNINV3). Identifiers: MedGen C3151038, MONDO:0013398, OMIM 613737.

Submission:

Labcorp Genetics (formerly Invitae), Labcorp
Classification: Uncertain significance for Alzheimer disease 3; Pick disease; Acne inversa, familial, 3; Frontotemporal dementia. Last evaluated: 2022-02-21. Review status: criteria provided, single submitter. Criteria: Invitae Variant Classification Sherloc (09022015). Collection method: clinical testing. Allele origin: germline.
Comment: This variant is not present in population databases (gnomAD no frequency). In summary, the available evidence is currently insufficient to determine the role of this variant in disease. Therefore, it has been classified as a Variant of Uncertain Significance. Algorithms developed to predict the effect of missense changes on protein structure and function are either unavailable or do not agree on the potential impact of this missense change (SIFT: "Tolerated"; PolyPhen-2: "Possibly Damaging"; Align-GVGD: "Class C0"). This variant has not been reported in the literature in individuals affected with PSEN1-related conditions. This sequence change replaces serine, which is neutral and polar, with phenylalanine, which is neutral and non-polar, at codon 365 of the PSEN1 protein (p.Ser365Phe).

NM_000021.4(PSEN1):c.1094C>T (p.Ser365Phe)

Gene: PSEN1 (presenilin 1; plus strand). Cytogenetic location: 14q24.2.
Variant type: single nucleotide variant.
Coding change: c.1094C>T on transcript NM_000021.4 (MANE Select); coding-DNA position 1094, C replaced by T.
Protein change: p.Ser365Phe; replaces serine 365 with phenylalanine.
Molecular consequence: missense variant.
Genome position (GRCh38, 1-based): chr14:73,211,907, C>T. VCF-style: chr14-73211907-C-T. GRCh37 (hg19) VCF-style: chr14-73678615-C-T.
Other names: c.1082C>T, p.Ser361Phe (NM_007318.3); short protein forms S361F, S365F.
Identifiers: ClinVar variation 2100944 (VCV002100944.4), dbSNP rs63750941, ClinGen allele CA390305605.